The following is an entry in ClinVar:

NM_000383.4(AIRE):c.1163_1164insA (p.Met388fs)

Gene: AIRE (autoimmune regulator; plus strand). Cytogenetic location: 21q22.3.
Variant type: Insertion.
Coding change: c.1163_1164insA on transcript NM_000383.4 (MANE Select); coding-DNA positions 1163 to 1164, A inserted.
Protein change: p.Met388fs; shifts the reading frame from methionine 388.
Molecular consequence: frameshift variant.
Genome position: GRCh38 VCF-style: chr21-44293060-T-TA. GRCh37 (hg19) VCF-style: chr21-45712943-T-TA.
Other names: c.1163_1164insA (LRG_18t1); short protein forms M388fs.
Identifiers: ClinVar variation 56221 (VCV000056221.15), dbSNP rs386833672, ClinGen allele CA144205.

ClinVar aggregate classification (germline): Pathogenic. Review status: criteria provided, multiple submitters, no conflicts (2 of 4 stars). 6 submissions from 6 submitters: Pathogenic (4). 2 of the submissions do not count toward it. Last evaluated 2023-09-15.

Conditions:
AIRE-related disorder. Also called: AIRE-related condition.
Polyglandular autoimmune syndrome, type 1 (APS1). Also called: HYPOADRENOCORTICISM WITH HYPOPARATHYROIDISM AND SUPERFICIAL MONILIASIS; Whitaker syndrome; Autoimmune polyendocrinopathy syndrome, type I; AUTOIMMUNE POLYENDOCRINE SYNDROME, TYPE I, WITH OR WITHOUT REVERSIBLE METAPHYSEAL DYSPLASIA; Autoimmune polyendocrinopathy syndrome , type I, with or without reversible metaphyseal dysplasia; APS I. Identifiers: Orphanet 3453, MedGen C0085859, MONDO:0009411, OMIM 240300.

Allele frequency attached by ClinVar (database versions not stated): gnomAD exomes 0.00006 and 0.00002; ExAC 0.00013; TOPMed below 0.00001; gnomAD 0.00001.

Submissions (6):

Labcorp Genetics (formerly Invitae), Labcorp
Classification: Pathogenic for Polyglandular autoimmune syndrome, type 1. Last evaluated: 2023-09-15. Review status: criteria provided, single submitter. Criteria: Invitae Variant Classification Sherloc (09022015). Collection method: clinical testing. Allele origin: germline.
Comment: This sequence change creates a premature translational stop signal (p.Met388Ilefs*36) in the AIRE gene. It is expected to result in an absent or disrupted protein product. Loss-of-function variants in AIRE are known to be pathogenic (PMID: 11524731, 26141571). This variant is present in population databases (rs386833672, gnomAD 0.01%). This premature translational stop signal has been observed in individual(s) with autoimmune polyendocrinopathy syndrome (PMID: 9398840, 18708298, 28919897). This variant is also known as an A insertion at the position 1284. ClinVar contains an entry for this variant (Variation ID: 56221). For these reasons, this variant has been classified as Pathogenic.

National Institute of Allergy and Infectious Diseases - Centralized Sequencing Program, National Institutes of Health
Classification: Pathogenic for APECED. Last evaluated: 2023-09-14. Review status: criteria provided, single submitter. Criteria: ACMG Guidelines, 2015. Collection method: clinical testing. Allele origin: germline. Affected: yes.

Blueprint Genetics
Classification: Pathogenic for AIRE-related disorders. Last evaluated: 2023-01-12. Review status: criteria provided, single submitter. Criteria: ACMG Guidelines, 2015. Collection method: clinical testing. Allele origin: germline. Affected: yes. Observed: 5 variant alleles.

Clinical Genetics Laboratory, Skane University Hospital Lund
Classification: Pathogenic. Last evaluated: 2022-07-13. Review status: criteria provided, single submitter. Criteria: ACMG Guidelines, 2015. Collection method: clinical testing. Allele origin: germline. Affected: yes.

Counsyl
Classification: Pathogenic for Polyglandular autoimmune syndrome, type 1. Last evaluated: 2016-08-23. Review status: no assertion criteria provided. Collection method: clinical testing. Allele origin: unknown. Not counted in ClinVar's aggregate classification.

Juha Muilu Group; Institute for Molecular Medicine Finland (FIMM)
Classification: Likely pathogenic for Polyglandular autoimmune syndrome, type 1. Review status: no assertion criteria provided. Collection method: not provided. Allele origin: unknown. Not counted in ClinVar's aggregate classification.
Comment: FinDis database variant: This variant was not found or characterized by our laboratory, data were collected from public sources: see reference
ClinVar note: Converted during submission from probable-pathogenic to Likely pathogenic.

Literature cited by the submitters: PubMed 11524731 (cited by Labcorp Genetics (formerly Invitae), Labcorp); PubMed 26141571 (cited by Labcorp Genetics (formerly Invitae), Labcorp); PubMed 9398840 (cited by Labcorp Genetics (formerly Invitae), Labcorp); PubMed 18708298 (cited by Labcorp Genetics (formerly Invitae), Labcorp); PubMed 28919897 (cited by Labcorp Genetics (formerly Invitae), Labcorp); PubMed 12050215 (cited by Counsyl); PubMed 17118990 (cited by Counsyl).